The following is an entry in ClinVar:

NM_015425.6(POLR1A):c.4902C>T (p.Ile1634=)

Gene: POLR1A (RNA polymerase I subunit A; minus strand). Cytogenetic location: 2p11.2.
Variant type: single nucleotide variant.
Coding change: c.4902C>T on transcript NM_015425.6 (MANE Select); coding-DNA position 4902, C replaced by T.
Protein change: p.Ile1634=; no amino-acid change (isoleucine 1634 retained).
Molecular consequence: synonymous variant.
Genome position (GRCh38, 1-based): chr2:86,028,045, G>A on the plus strand (C>T on the coding strand, the complement: POLR1A is on the minus strand). VCF-style: chr2-86028045-G-A. GRCh37 (hg19) VCF-style: chr2-86255168-G-A.
Other names: c.4902C>T (NM_015425.4).
Identifiers: ClinVar variation 1898479 (VCV001898479.6), dbSNP rs371340381, ClinGen allele CA1745329.

ClinVar aggregate classification (germline): Likely benign. Review status: criteria provided, multiple submitters, no conflicts (2 of 4 stars). 2 submissions from 2 submitters: Likely benign (2). Last evaluated 2025-12-01.

Conditions:
POLR1A-related disorder. Also called: POLR1A-related condition.

Allele frequency attached by ClinVar (database versions not stated): gnomAD exomes below 0.00001; ExAC 0.00002; gnomAD 0.00003; TOPMed 0.00003; ESP Exome Variant Server 0.00016.

Submissions (2):

Labcorp Genetics (formerly Invitae), Labcorp
Classification: Likely benign. Last evaluated: 2025-12-01. Review status: criteria provided, single submitter. Criteria: Invitae Variant Classification Sherloc (09022015). Collection method: clinical testing. Allele origin: germline.

PreventionGenetics, part of Exact Sciences
Classification: Likely benign for POLR1A-related condition. Last evaluated: 2024-10-17. Review status: criteria provided, single submitter. Criteria: ACMG Guidelines, 2015. Collection method: clinical testing. Allele origin: germline.
Comment: This variant is classified as likely benign based on ACMG/AMP sequence variant interpretation guidelines (Richards et al. 2015 PMID: 25741868, with internal and published modifications).